The following is an entry in ClinVar:

ClinVar aggregate classification (germline): Uncertain significance (1 of 4 stars; one submission).

Conditions:
Desbuquois dysplasia 1 (DBQD1). Also called: MICROMELIC DWARFISM WITH VERTEBRAL AND METAPHYSEAL ABNORMALITIES AND ADVANCED CARPOTARSAL OSSIFICATION; DESBUQUOIS DYSPLASIA 1, KIM VARIANT. Identifiers: Orphanet 1425, MedGen C4012146, MONDO:0009629, OMIM 251450.

gnomAD v4.1: 11 of 1,570,336 alleles (0.0007%); highest among the groups gnomAD compares: Non-Finnish European, 0.00086%; no homozygotes.

Submission:

Labcorp Genetics (formerly Invitae), Labcorp
Classification: Uncertain significance for Desbuquois dysplasia 1. Last evaluated: 2025-04-02. Review status: criteria provided, single submitter. Criteria: Invitae Variant Classification Sherloc (09022015). Collection method: clinical testing. Allele origin: germline.
Comment: This sequence change replaces isoleucine, which is neutral and non-polar, with methionine, which is neutral and non-polar, at codon 265 of the XYLT1 protein (p.Ile265Met). This variant is present in population databases (rs781690842, gnomAD 0.001%). This variant has not been reported in the literature in individuals affected with XYLT1-related conditions. Invitae Evidence Modeling of protein sequence and biophysical properties (such as structural, functional, and spatial information, amino acid conservation, physicochemical variation, residue mobility, and thermodynamic stability) indicates that this missense variant is expected to disrupt XYLT1 protein function with a positive predictive value of 80%. In summary, the available evidence is currently insufficient to determine the role of this variant in disease. Therefore, it has been classified as a Variant of Uncertain Significance.

NM_022166.4(XYLT1):c.795C>G (p.Ile265Met)

Genes: XYLT1 (xylosyltransferase 1; minus strand), LOC130058565 (ATAC-STARR-seq lymphoblastoid active region 10504; plus strand). Cytogenetic location: 16p12.3.
Variant type: single nucleotide variant.
Coding change: c.795C>G on transcript NM_022166.4 (MANE Select); coding-DNA position 795, C replaced by G.
Protein change: p.Ile265Met; replaces isoleucine 265 with methionine.
Molecular consequence: missense variant.
Genome position (GRCh38, 1-based): chr16:17,259,106, G>C on the plus strand (C>G on the coding strand, the complement: XYLT1 is on the minus strand). VCF-style: chr16-17259106-G-C. GRCh37 (hg19) VCF-style: chr16-17352963-G-C.
Other names: short protein forms I265M.
Identifiers: ClinVar variation 4693573 (VCV004693573.1).